The following is an entry in ClinVar:

NM_005257.6(GATA6):c.269C>T (p.Ala90Val)

Gene: GATA6 (GATA binding protein 6; plus strand). Cytogenetic location: 18q11.2.
Variant type: single nucleotide variant.
Coding change: c.269C>T on transcript NM_005257.6 (MANE Select); coding-DNA position 269, C replaced by T.
Protein change: p.Ala90Val; replaces alanine 90 with valine.
Molecular consequence: missense variant.
Genome position (GRCh38, 1-based): chr18:22,171,413, C>T. VCF-style: chr18-22171413-C-T. GRCh37 (hg19) VCF-style: chr18-19751374-C-T.
Other names: short protein forms A90V.
Identifiers: ClinVar variation 1512348 (VCV001512348.8), dbSNP rs1341980994, ClinGen allele CA401799299.

ClinVar aggregate classification (germline): Uncertain significance (1 of 4 stars; one submission).

Conditions:
Atrioventricular septal defect 5 (AVSD5). Identifiers: MedGen C3280939, MONDO:0013769, OMIM 614474.

Allele frequency attached by ClinVar (database versions not stated): gnomAD exomes below 0.00001; gnomAD 0.00001; TOPMed 0.00001.
gnomAD v4.1: 3 of 1,589,300 alleles (0.00019%); highest among the groups gnomAD compares: Non-Finnish European, 0.00026%; no homozygotes.

Submission:

Labcorp Genetics (formerly Invitae), Labcorp
Classification: Uncertain significance for Atrioventricular septal defect 5. Last evaluated: 2025-03-19. Review status: criteria provided, single submitter. Criteria: Invitae Variant Classification Sherloc (09022015). Collection method: clinical testing. Allele origin: germline.
Comment: This sequence change replaces alanine, which is neutral and non-polar, with valine, which is neutral and non-polar, at codon 90 of the GATA6 protein (p.Ala90Val). This variant is present in population databases (no rsID available, gnomAD 0.007%). This variant has not been reported in the literature in individuals affected with GATA6-related conditions. ClinVar contains an entry for this variant (Variation ID: 1512348). An algorithm developed to predict the effect of missense changes on protein structure and function outputs the following: PolyPhen-2: "Benign". The valine amino acid residue is found in multiple mammalian species, which suggests that this missense change does not adversely affect protein function. In summary, the available evidence is currently insufficient to determine the role of this variant in disease. Therefore, it has been classified as a Variant of Uncertain Significance.